The following is an entry in ClinVar:

NM_014967.5(FAN1):c.1742G>A (p.Arg581Gln)

Gene: FAN1 (FANCD2 and FANCI associated nuclease 1; plus strand). Cytogenetic location: 15q13.3.
Variant type: single nucleotide variant.
Coding change: c.1742G>A on transcript NM_014967.5 (MANE Select); coding-DNA position 1742, G replaced by A.
Protein change: p.Arg581Gln; replaces arginine 581 with glutamine.
Molecular consequence: missense variant.
Genome position (GRCh38, 1-based): chr15:30,914,022, G>A. VCF-style: chr15-30914022-G-A. GRCh37 (hg19) VCF-style: chr15-31206225-G-A.
Other names: short protein forms R581Q.
Identifiers: ClinVar variation 4076808 (VCV004076808.1).

ClinVar aggregate classification (germline): Uncertain significance (1 of 4 stars; one submission).

gnomAD v4.1: 23 of 1,614,024 alleles (0.0014%); highest among the groups gnomAD compares: South Asian, 0.016%; no homozygotes.

Submission:

GeneDx
Classification: Uncertain significance. Last evaluated: 2025-02-21. Review status: criteria provided, single submitter. Criteria: GeneDx Variant Classification Process June 2021. Collection method: clinical testing. Allele origin: germline. Affected: yes.
Comment: In silico analysis indicates that this missense variant does not alter protein structure/function; Has not been previously published as pathogenic or benign to our knowledge